The following is an entry in ClinVar:

NM_020831.6(MRTFA):c.2824G>A (p.Asp942Asn)

Gene: MRTFA (myocardin related transcription factor A; minus strand). Cytogenetic location: 22q13.1.
Variant type: single nucleotide variant.
Coding change: c.2824G>A on transcript NM_020831.6 (MANE Select); coding-DNA position 2824, G replaced by A.
Protein change: p.Asp942Asn; replaces aspartic acid 942 with asparagine.
Molecular consequence: missense variant. On other transcripts: 3 prime UTR variant (1).
Genome position (GRCh38, 1-based): chr22:40,411,662, C>T on the plus strand (G>A on the coding strand, the complement: MRTFA is on the minus strand). VCF-style: chr22-40411662-C-T. GRCh37 (hg19) VCF-style: chr22-40807666-C-T.
Other names: c.2524G>A, p.Asp842Asn (NM_001282660.2); c.2674G>A, p.Asp892Asn (NM_001282661.3); c.*137G>A (NM_001282662.3); c.2629G>A, p.Asp877Asn (NM_001318139.2); c.2524G>A (NM_020831.3); short protein forms D942N, D892N, D842N, D877N.
Identifiers: ClinVar variation 2964954 (VCV002964954.6), dbSNP rs148866820, ClinGen allele CA324458255.

ClinVar aggregate classification (germline): Uncertain significance. Review status: criteria provided, multiple submitters, no conflicts (2 of 4 stars). 4 submissions from 4 submitters: Uncertain significance (4). Last evaluated 2025-06-24.

Conditions:
Immunodeficiency 66. Identifiers: MedGen C5394265, MONDO:0030013, OMIM 618847.

Allele frequency attached by ClinVar (database versions not stated): gnomAD 0.00001; TOPMed 0.00001; ESP Exome Variant Server 0.00008.
gnomAD v4.1: 15 of 1,610,640 alleles (0.00093%); highest among the groups gnomAD compares: African/African-American, 0.0013%; no homozygotes.

Submissions (4):

Ambry Genetics
Classification: Uncertain significance. Last evaluated: 2025-06-24. Review status: criteria provided, single submitter. Criteria: Ambry Variant Classification Scheme 2023. Collection method: clinical testing. Allele origin: germline.

Labcorp Genetics (formerly Invitae), Labcorp
Classification: Uncertain significance. Last evaluated: 2024-11-11. Review status: criteria provided, single submitter. Criteria: Invitae Variant Classification Sherloc (09022015). Collection method: clinical testing. Allele origin: germline.
Comment: This sequence change replaces aspartic acid, which is acidic and polar, with asparagine, which is neutral and polar, at codon 842 of the MKL1 protein (p.Asp842Asn). This variant is present in population databases (rs148866820, gnomAD 0.003%). This variant has not been reported in the literature in individuals affected with MKL1-related conditions. ClinVar contains an entry for this variant (Variation ID: 2964954). An algorithm developed to predict the effect of missense changes on protein structure and function (PolyPhen-2) suggests that this variant is likely to be disruptive. In summary, the available evidence is currently insufficient to determine the role of this variant in disease. Therefore, it has been classified as a Variant of Uncertain Significance.

Blueprint Genetics
Classification: Uncertain significance. Last evaluated: 2022-12-22. Review status: criteria provided, single submitter. Criteria: ACMG Guidelines, 2015. Collection method: clinical testing. Allele origin: germline.

Department of Pathology and Laboratory Medicine, Sinai Health System
Classification: Uncertain significance for Immunodeficiency 66. Last evaluated: 2020-06-25. Review status: criteria provided, single submitter. Criteria: ACMG Guidelines, 2015. Collection method: research. Allele origin: germline.